The following is an entry in ClinVar:

NM_004281.4(BAG3):c.769C>T (p.Pro257Ser)

Gene: BAG3 (BAG cochaperone 3; plus strand). Cytogenetic location: 10q26.11.
Variant type: single nucleotide variant.
Coding change: c.769C>T on transcript NM_004281.4 (MANE Select); coding-DNA position 769, C replaced by T.
Protein change: p.Pro257Ser; replaces proline 257 with serine.
Molecular consequence: missense variant.
Genome position (GRCh38, 1-based): chr10:119,672,516, C>T. VCF-style: chr10-119672516-C-T. GRCh37 (hg19) VCF-style: chr10-121432028-C-T.
Other names: short protein forms P257S.
Identifiers: ClinVar variation 4790868 (VCV004790868.2).

ClinVar aggregate classification (germline): Uncertain significance. Review status: criteria provided, multiple submitters, no conflicts (2 of 4 stars). 2 submissions from 2 submitters: Uncertain significance (2). Last evaluated 2025-10-08.

Conditions:
Myofibrillar myopathy 6. Identifiers: Orphanet 199340, MedGen C2751831, MONDO:0013061, OMIM 612954.
Dilated cardiomyopathy 1HH (CMD1HH). Identifiers: Orphanet 154, MedGen C3151293, MONDO:0013479, OMIM 613881.

Submissions (2):

Labcorp Genetics (formerly Invitae), Labcorp
Classification: Uncertain significance for Dilated cardiomyopathy 1HH; Myofibrillar myopathy 6. Last evaluated: 2025-10-08. Review status: criteria provided, single submitter. Criteria: Invitae Variant Classification Sherloc (09022015). Collection method: clinical testing. Allele origin: germline.
Comment: This sequence change replaces proline, which is neutral and non-polar, with serine, which is neutral and polar, at codon 257 of the BAG3 protein (p.Pro257Ser). This variant is not present in population databases (gnomAD no frequency). This variant has not been reported in the literature in individuals affected with BAG3-related conditions. Invitae Evidence Modeling of protein sequence and biophysical properties (such as structural, functional, and spatial information, amino acid conservation, physicochemical variation, residue mobility, and thermodynamic stability) indicates that this missense variant is not expected to disrupt BAG3 protein function with a negative predictive value of 80%. In summary, the available evidence is currently insufficient to determine the role of this variant in disease. Therefore, it has been classified as a Variant of Uncertain Significance.

Blueprint Genetics
Classification: Uncertain significance. Last evaluated: 2022-04-27. Review status: criteria provided, single submitter. Criteria: ACMG Guidelines, 2015. Collection method: clinical testing. Allele origin: germline.